The following is an entry in ClinVar:

ClinVar aggregate classification (germline): Likely pathogenic. Review status: criteria provided, multiple submitters, no conflicts (2 of 4 stars). 3 submissions from 3 submitters: Likely pathogenic (3). Last evaluated 2025-06-19.

Conditions:
Pontocerebellar hypoplasia type 6 (PCH6). Identifiers: Orphanet 166073, MedGen C1969084, MONDO:0012683, OMIM 611523.

Allele frequency attached by ClinVar (database versions not stated): gnomAD exomes below 0.00001; TOPMed below 0.00001.

Submissions (3):

Natera, Inc.
Classification: Likely pathogenic for Pontocerebellar hypoplasia, type 6. Last evaluated: 2025-06-19. Review status: criteria provided, single submitter. Criteria: Natera Variant Classification Schema (03/2026). Collection method: clinical testing. Allele origin: germline.
Comment: The c.879-2del variant in RARS2 is a canonical splice acceptor site variant predicted to affect pre-mRNA splicing, which may result in an abnormal transcript and altered protein product. This variant is expected to result in nonsense mediated decay, truncation, or a dysfunctional protein product. This variant is rare in the general population with a frequency below the threshold expected for the associated phenotype(s). Given the available evidence, this variant is classified as Likely Pathogenic.

Fulgent Genetics
Classification: Likely pathogenic for Pontocerebellar hypoplasia type 6. Last evaluated: 2024-04-29. Review status: criteria provided, single submitter. Criteria: ACMG Guidelines, 2015. Collection method: clinical testing. Allele origin: germline.

Labcorp Genetics (formerly Invitae), Labcorp
Classification: Likely pathogenic. Last evaluated: 2021-01-27. Review status: criteria provided, single submitter. Criteria: Invitae Variant Classification Sherloc (09022015). Collection method: clinical testing. Allele origin: germline.
Comment: In summary, the currently available evidence indicates that the variant is pathogenic, but additional data are needed to prove that conclusively. Therefore, this variant has been classified as Likely Pathogenic. Algorithms developed to predict the effect of sequence changes on RNA splicing suggest that this variant may disrupt the consensus splice site, but this prediction has not been confirmed by published transcriptional studies. This variant has not been reported in the literature in individuals with RARS2-related conditions. This variant is not present in population databases (ExAC no frequency). This sequence change affects a donor splice site in intron 10 of the RARS2 gene. It is expected to disrupt RNA splicing. Variants that disrupt the donor or acceptor splice site typically lead to a loss of protein function (PMID: 16199547), and loss-of-function variants in RARS2 are known to be pathogenic (PMID: 17847012, 22569581, 26083569).

Literature cited by the submitters: PubMed 16199547 (cited by Labcorp Genetics (formerly Invitae), Labcorp); PubMed 17847012 (cited by Labcorp Genetics (formerly Invitae), Labcorp); PubMed 22569581 (cited by Labcorp Genetics (formerly Invitae), Labcorp); PubMed 26083569 (cited by Labcorp Genetics (formerly Invitae), Labcorp).

NM_020320.5(RARS2):c.879-2del

Gene: RARS2 (arginyl-tRNA synthetase 2, mitochondrial; minus strand). Cytogenetic location: 6q15.
Variant type: Deletion.
Coding change: c.879-2del on transcript NM_020320.5 (MANE Select); the canonical splice acceptor site of the intron before coding-DNA position 879, one base deleted (A; older notation c.879-2delA).
Molecular consequence: splice acceptor variant. On other transcripts: non-coding transcript variant (1).
Genome position (GRCh38, 1-based): chr6:87,524,654, T deleted on the plus strand (A on the coding strand, the reverse complement: RARS2 is on the minus strand). VCF-style (leftmost placement, unchanged base first): chr6-87524653-CT-C. GRCh37 (hg19) VCF-style: chr6-88234371-CT-C.
Other names: c.879-2del (NM_001350505.2, NM_020320.4); c.354-2del (NM_001350509.2, NM_001318785.2, NM_001350506.2 and 4 more transcripts).
Identifiers: ClinVar variation 1477552 (VCV001477552.10), dbSNP rs1775079523, ClinGen allele CA1644576453.